The following is an entry in ClinVar:

NM_025150.5(TARS2):c.445G>A (p.Ala149Thr)

Gene: TARS2 (threonyl-tRNA synthetase 2, mitochondrial; plus strand). Cytogenetic location: 1q21.2.
Variant type: single nucleotide variant.
Coding change: c.445G>A on transcript NM_025150.5 (MANE Select); coding-DNA position 445, G replaced by A.
Protein change: p.Ala149Thr; replaces alanine 149 with threonine.
Molecular consequence: missense variant.
Genome position (GRCh38, 1-based): chr1:150,490,658, G>A. VCF-style: chr1-150490658-G-A. GRCh37 (hg19) VCF-style: chr1-150463134-G-A.
Other names: c.445G>A, p.Ala149Thr (NM_001271895.2, NM_001271896.2); c.445G>A (NM_025150.3); short protein forms A149T.
Identifiers: ClinVar variation 1412763 (VCV001412763.9), dbSNP rs1239965763, ClinGen allele CA342320055.
Genomic context (GRCh38, chr1:150,490,658, plus strand): 5'-CAGGTGTTCTGGCACTCCAGCACCCATGTCCTGGGGGCAGCAGCTGAACAATTCCTAGGT[G>A]CTGTTCTCTGCAGAGGTCCAAGTACAGAATATGGCTTTTACCATGATTTCTTCCTGGGAA-3'
Protein context (NP_079426.2, residues 139-159): LGAAAEQFLG[Ala149Thr]VLCRGPSTEY

ClinVar aggregate classification (germline): Uncertain significance. Review status: criteria provided, multiple submitters, no conflicts (2 of 4 stars). 2 submissions from 2 submitters: Uncertain significance (2). Last evaluated 2024-09-11.

Conditions:
Inborn genetic diseases. Identifiers: MedGen C0950123, MeSH D030342.

Allele frequency attached by ClinVar (database versions not stated): gnomAD 0.00001; gnomAD exomes 0.00001; TOPMed 0.00001.
gnomAD v4.1: 13 of 1,613,880 alleles (0.00081%); highest among the groups gnomAD compares: Non-Finnish European, 0.00017%; no homozygotes.

Submissions (2):

Ambry Genetics
Classification: Uncertain significance for Inborn genetic diseases. Last evaluated: 2024-09-11. Review status: criteria provided, single submitter. Criteria: Ambry Variant Classification Scheme 2023. Collection method: clinical testing. Allele origin: germline.

Labcorp Genetics (formerly Invitae), Labcorp
Classification: Uncertain significance. Last evaluated: 2021-12-02. Review status: criteria provided, single submitter. Criteria: Invitae Variant Classification Sherloc (09022015). Collection method: clinical testing. Allele origin: germline.
Comment: Algorithms developed to predict the effect of missense changes on protein structure and function are either unavailable or do not agree on the potential impact of this missense change (SIFT: "Deleterious"; PolyPhen-2: "Probably Damaging"; Align-GVGD: "Class C0"). In summary, the available evidence is currently insufficient to determine the role of this variant in disease. Therefore, it has been classified as a Variant of Uncertain Significance. This variant has not been reported in the literature in individuals affected with TARS2-related conditions. The frequency data for this variant in the population databases is considered unreliable, as metrics indicate poor data quality at this position in the gnomAD database. This sequence change replaces alanine, which is neutral and non-polar, with threonine, which is neutral and polar, at codon 149 of the TARS2 protein (p.Ala149Thr).